The following is an entry in ClinVar:

NM_004655.4(AXIN2):c.218C>T (p.Ser73Phe)

Gene: AXIN2 (axin 2; minus strand). Cytogenetic location: 17q24.1.
Variant type: single nucleotide variant.
Coding change: c.218C>T on transcript NM_004655.4 (MANE Select); coding-DNA position 218, C replaced by T.
Protein change: p.Ser73Phe; replaces serine 73 with phenylalanine.
Molecular consequence: missense variant.
Genome position (GRCh38, 1-based): chr17:65,558,403, G>A on the plus strand (C>T on the coding strand, the complement: AXIN2 is on the minus strand). VCF-style: chr17-65558403-G-A. GRCh37 (hg19) VCF-style: chr17-63554521-G-A.
Other names: c.218C>T, p.Ser73Phe (NM_001363813.1); short protein forms S73F.
Identifiers: ClinVar variation 2917094 (VCV002917094.3), dbSNP rs1306348080, ClinGen allele CA400681874.

ClinVar aggregate classification (germline): Uncertain significance (1 of 4 stars; one submission).

Conditions:
Oligodontia-cancer predisposition syndrome. Also called: TOOTH AGENESIS-COLORECTAL CANCER SYNDROME. Identifiers: Orphanet 300576, MedGen C1837750, MONDO:0012075, OMIM 608615. Disease mechanism: loss of function.

gnomAD v4.1: 1 of 1,604,598 alleles (0.000062%); highest among the groups gnomAD compares: Non-Finnish European, 0.000085%; no homozygotes.

Submission:

Labcorp Genetics (formerly Invitae), Labcorp
Classification: Uncertain significance for Oligodontia-cancer predisposition syndrome. Last evaluated: 2022-12-16. Review status: criteria provided, single submitter. Criteria: Invitae Variant Classification Sherloc (09022015). Collection method: clinical testing. Allele origin: germline.
Comment: This sequence change replaces serine, which is neutral and polar, with phenylalanine, which is neutral and non-polar, at codon 73 of the AXIN2 protein (p.Ser73Phe). This variant is not present in population databases (gnomAD no frequency). This variant has not been reported in the literature in individuals affected with AXIN2-related conditions. Advanced modeling of protein sequence and biophysical properties (such as structural, functional, and spatial information, amino acid conservation, physicochemical variation, residue mobility, and thermodynamic stability) performed at Invitae indicates that this missense variant is expected to disrupt AXIN2 protein function. In summary, the available evidence is currently insufficient to determine the role of this variant in disease. Therefore, it has been classified as a Variant of Uncertain Significance.